The following is an entry in ClinVar:

ClinVar aggregate classification (germline): Conflicting classifications of pathogenicity. Review status: criteria provided, conflicting classifications (1 of 4 stars). 9 submissions from 8 submitters: Pathogenic (1); Uncertain significance (7). 1 of the submissions does not count toward it. Last evaluated 2026-03-31.

Conditions:
Laron-type isolated somatotropin defect. Also called: Growth hormone binding protein deficiency or dysfunction; Growth hormone receptor deficiency or dysfunction; Laron dwarfism; Laron type pituitary dwarfism I; Laron Syndrome; GROWTH HORMONE RECEPTOR DEFICIENCY. Identifiers: Orphanet 633, MedGen C0271568, MONDO:0009877, OMIM 262500.
Short stature due to partial GHR deficiency. Also called: GROWTH HORMONE INSENSITIVITY, PARTIAL; GROWTH HORMONE DEFICIENCY, ISOLATED PARTIAL; Growth hormone, insensitivity to, partial. Identifiers: Orphanet 314802, Orphanet 314811, MedGen C1858656, MONDO:0011420, OMIM 604271.
Seizure. Also called: Seizures. Identifiers: MedGen C0036572, HP:0001250.
Short stature. Identifiers: MedGen C0349588, HP:0004322.
Disproportionate short-limb short stature. Identifiers: MedGen C1849937, HP:0008873.
Relative macrocephaly. Identifiers: MedGen C1849075, HP:0004482.
Mesomelic/rhizomelic limb shortening. Identifiers: MedGen C1866239, HP:0005026.
Genu varum. Identifiers: MedGen C0544755, HP:0002970.
Specific learning disability. Identifiers: Orphanet 211047, MedGen C4025790, MONDO:0016225, HP:0001328.

Allele frequency attached by ClinVar (database versions not stated): 1000 Genomes Project 0.00040; gnomAD 0.00023 and 0.00024; gnomAD exomes 0.00024 and 0.00027; TOPMed 0.00028; 1000 Genomes Project 30x 0.00031; ExAC 0.00032; ESP Exome Variant Server 0.00038.
gnomAD v4.1: 387 of 1,613,336 alleles (0.024%); highest among the groups gnomAD compares: Middle Eastern, 0.033%; 1 homozygote.

Submissions (9):

Women's Health and Genetics/Laboratory Corporation of America, LabCorp
Classification: Uncertain significance. Last evaluated: 2026-03-31. Review status: criteria provided, single submitter. Criteria: LabCorp Variant Classification Summary - May 2015. Collection method: clinical testing. Allele origin: germline.
Comment: Variant summary: GHR c.718T>C (p.Tyr240His) results in a conservative amino acid change in the encoded protein sequence. Algorithms developed to predict the effect of missense changes on protein structure and function are either unavailable or do not agree on the potential impact of this missense change. The variant allele was found at a frequency of 0.00027 in 251388 control chromosomes (gnomAD). This frequency is not significantly higher than estimated for disease-causing variants in GHR, allowing no conclusion about variant significance. c.718T>C has been observed in an individual(s) affected with Growth Hormone Insensitivity (Tauber_1998). These data do not allow any conclusion about variant significance. To our knowledge, no experimental evidence demonstrating an impact on protein function has been reported. The following publication has been ascertained in the context of this evaluation (PMID: 10984309). ClinVar contains an entry for this variant (Variation ID: 198398). Based on the evidence outlined above, the variant was classified as uncertain significance.

Labcorp Genetics (formerly Invitae), Labcorp
Classification: Uncertain significance. Last evaluated: 2025-12-08. Review status: criteria provided, single submitter. Criteria: Invitae Variant Classification Sherloc (09022015). Collection method: clinical testing. Allele origin: germline.
Comment: This sequence change replaces tyrosine, which is neutral and polar, with histidine, which is basic and polar, at codon 240 of the GHR protein (p.Tyr240His). This variant is present in population databases (rs143814221, gnomAD 0.05%). This missense change has been observed in individual(s) with growth hormone insensitivity (PMID: 10984309). This variant is also known as p.Tyr222His. ClinVar contains an entry for this variant (Variation ID: 198398). Invitae Evidence Modeling of protein sequence and biophysical properties (such as structural, functional, and spatial information, amino acid conservation, physicochemical variation, residue mobility, and thermodynamic stability) has been performed for this missense variant. However, the output from this modeling did not meet the statistical confidence thresholds required to predict the impact of this variant on GHR protein function. In summary, the available evidence is currently insufficient to determine the role of this variant in disease. Therefore, it has been classified as a Variant of Uncertain Significance.

Blueprint Genetics
Classification: Uncertain significance. Last evaluated: 2024-10-17. Review status: criteria provided, single submitter. Criteria: ACMG Guidelines, 2015. Collection method: clinical testing. Allele origin: germline.

New York Genome Center
Classification: Uncertain significance for Short stature due to partial GHR deficiency; Laron-type isolated somatotropin defect. Last evaluated: 2023-09-01. Review status: criteria provided, single submitter. Criteria: NYGC Assertion Criteria 2020. Collection method: clinical testing. Allele origin: inherited. Observed: 1 heterozygote.

Centre for Mendelian Genomics, University Medical Centre Ljubljana
Classification: Uncertain significance for Short stature due to partial GHR deficiency. Last evaluated: 2020-04-01. Review status: criteria provided, single submitter. Criteria: ACMG Guidelines, 2015. Collection method: clinical testing. Allele origin: unknown. Affected: yes.
Comment: This variant was classified as: Uncertain significance. The available evidence on this variant's pathogenicity is insufficient or conflicting. The following ACMG criteria were applied in classifying this variant: PP3.

Illumina Laboratory Services, Illumina
Classification: Uncertain significance for Laron-type isolated somatotropin defect. Last evaluated: 2017-04-27. Review status: criteria provided, single submitter. Criteria: ICSL Variant Classification Criteria 13 December 2019. Collection method: clinical testing. Allele origin: germline.
Comment: This variant was observed as part of a predisposition screen in an ostensibly healthy population. A literature search was performed for the gene, cDNA change, and amino acid change (where applicable). Publications were found based on this search. However, the evidence from the literature, in combination with allele frequency data from public databases where available, was not sufficient to rule this variant in or out of causing disease. Therefore, this variant is classified as a variant of unknown significance.

Centre for Mendelian Genomics, University Medical Centre Ljubljana
Classification: Pathogenic for Disproportionate short-limb short stature; Genu varum; Relative macrocephaly; Seizure; Short stature; Specific learning disability; Mesomelic/rhizomelic limb shortening. Last evaluated: 2017-01-01. Review status: criteria provided, single submitter. Criteria: ACMG Guidelines, 2015. Collection method: clinical testing. Allele origin: unknown. Affected: yes.

Eurofins Ntd Llc (ga)
Classification: Uncertain significance. Last evaluated: 2014-12-18. Review status: criteria provided, single submitter. Criteria: EGL Classification Definitions 2015. Collection method: clinical testing. Allele origin: germline. Observed: 1 variant allele, 1 heterozygote.

Clinical Molecular Genetics Laboratory, Johns Hopkins All Children's Hospital
Classification: Pathogenic for Laron-type isolated somatotropin defect. Last evaluated: 2017-05-04. Review status: no assertion criteria provided. Collection method: clinical testing. Allele origin: germline. Affected: yes. Not counted in ClinVar's aggregate classification.

Literature cited by the submitters: PubMed 10984309 (cited by 3 submitters).

NM_000163.5(GHR):c.718T>C (p.Tyr240His)

Gene: GHR (growth hormone receptor; plus strand). Cytogenetic location: 5p12.
Variant type: single nucleotide variant.
Coding change: c.718T>C on transcript NM_000163.5 (MANE Select); coding-DNA position 718, T replaced by C.
Protein change: p.Tyr240His; replaces tyrosine 240 with histidine.
Molecular consequence: missense variant.
Genome position (GRCh38, 1-based): chr5:42,711,306, T>C. VCF-style: chr5-42711306-T-C. GRCh37 (hg19) VCF-style: chr5-42711408-T-C.
Other names: c.739T>C, p.Tyr247His (NM_001242399.2); c.718T>C, p.Tyr240His (NM_001242400.2, NM_001242401.4, NM_001242402.2 and 5 more transcripts); c.652T>C, p.Tyr218His (NM_001242460.2); short protein forms Y240H, Y218H, Y247H.
Identifiers: ClinVar variation 198398 (VCV000198398.19), dbSNP rs143814221, ClinGen allele CA247036.